The following is an entry in ClinVar:

ClinVar aggregate classification (germline): Uncertain significance (1 of 4 stars; one submission).

Conditions:
Developmental and epileptic encephalopathy, 12 (DEE12). Identifiers: MedGen C3150988, MONDO:0013389, OMIM 613722.

Submission:

Labcorp Genetics (formerly Invitae), Labcorp
Classification: Uncertain significance for Developmental and epileptic encephalopathy, 12. Last evaluated: 2023-10-03. Review status: criteria provided, single submitter. Criteria: Invitae Variant Classification Sherloc (09022015). Collection method: clinical testing. Allele origin: germline.
Comment: This sequence change replaces valine, which is neutral and non-polar, with alanine, which is neutral and non-polar, at codon 38 of the PLCB1 protein (p.Val38Ala). This variant is not present in population databases (gnomAD no frequency). This variant has not been reported in the literature in individuals affected with PLCB1-related conditions. ClinVar contains an entry for this variant (Variation ID: 1936099). Advanced modeling of protein sequence and biophysical properties (such as structural, functional, and spatial information, amino acid conservation, physicochemical variation, residue mobility, and thermodynamic stability) performed at Invitae indicates that this missense variant is not expected to disrupt PLCB1 protein function. In summary, the available evidence is currently insufficient to determine the role of this variant in disease. Therefore, it has been classified as a Variant of Uncertain Significance.

NM_015192.4(PLCB1):c.113T>C (p.Val38Ala)

Gene: PLCB1 (phospholipase C beta 1; plus strand). Cytogenetic location: 20p12.3.
Variant type: single nucleotide variant.
Coding change: c.113T>C on transcript NM_015192.4 (MANE Select); coding-DNA position 113, T replaced by C.
Protein change: p.Val38Ala; replaces valine 38 with alanine.
Molecular consequence: missense variant.
Genome position (GRCh38, 1-based): chr20:8,150,307, T>C. VCF-style: chr20-8150307-T-C. GRCh37 (hg19) VCF-style: chr20-8130954-T-C.
Other names: c.113T>C, p.Val38Ala (NM_182734.3); short protein forms V38A.
Identifiers: ClinVar variation 1936099 (VCV001936099.5), dbSNP rs2514577849, ClinGen allele CA408261722.